The following is an entry in ClinVar:

ClinVar aggregate classification (germline): Uncertain significance (1 of 4 stars; one submission).

Conditions:
Acute myeloid leukemia (AML). Also called: Acute myeloid leukemia, adult; AML adult; Acute non-lymphocytic leukemia; Acute granulocytic leukemia; Leukemia, acute myeloid, somatic; Leukemia, acute myelogenous, somatic. Identifiers: Orphanet 519, MedGen C0023467, MeSH D015470, MONDO:0018874, OMIM 601626, HP:0004808. Disease mechanism: Constitutively activated FLT3.

Submission:

Labcorp Genetics (formerly Invitae), Labcorp
Classification: Uncertain significance for Acute myeloid leukemia. Last evaluated: 2023-02-02. Review status: criteria provided, single submitter. Criteria: Invitae Variant Classification Sherloc (09022015). Collection method: clinical testing. Allele origin: germline.
Comment: Experimental studies and prediction algorithms are not available or were not evaluated, and the functional significance of this variant is currently unknown. In summary, the available evidence is currently insufficient to determine the role of this variant in disease. Therefore, it has been classified as a Variant of Uncertain Significance. This sequence change creates a premature translational stop signal (p.Gln305*) in the CEBPA gene. While this is not anticipated to result in nonsense mediated decay, it is expected to disrupt the last 54 amino acid(s) of the CEBPA protein. This variant has not been reported in the literature in individuals affected with CEBPA-related conditions. This variant is not present in population databases (gnomAD no frequency).

NM_004364.5(CEBPA):c.913C>T (p.Gln305Ter)

Gene: CEBPA (CCAAT enhancer binding protein alpha; minus strand). Cytogenetic location: 19q13.11.
Variant type: single nucleotide variant.
Coding change: c.913C>T on transcript NM_004364.5 (MANE Select); coding-DNA position 913, C replaced by T.
Protein change: p.Gln305Ter; replaces glutamine 305 with a stop codon.
Molecular consequence: nonsense.
Genome position (GRCh38, 1-based): chr19:33,301,502, G>A on the plus strand (C>T on the coding strand, the complement: CEBPA is on the minus strand). VCF-style: chr19-33301502-G-A. GRCh37 (hg19) VCF-style: chr19-33792408-G-A.
Other names: c.556C>T, p.Gln186Ter (NM_001285829.2); c.1018C>T, p.Gln340Ter (NM_001287424.2); c.871C>T, p.Gln291Ter (NM_001287435.2); short protein forms Q291*, Q305*, Q186*, Q340*.
Identifiers: ClinVar variation 2833882 (VCV002833882.3), dbSNP rs747606716, ClinGen allele CA405273938.
Genomic context (GRCh38, chr19:33,301,502, plus strand): 5'-GCAGGCGGTCATTGTCACTGGTCAGCTCCAGCACCTTCTGCTGCGTCTCCACGTTGCGCT[G>A]CTTGGCCTTGTCGCGGCTCTTGCGCACCGCGATGTTGTTGCGCTCGCGCCGCACCCGGTA-3'